The following is an entry in ClinVar:

ClinVar aggregate classification (germline): Uncertain significance (1 of 4 stars; one submission).

Conditions:
Primary ciliary dyskinesia. Also called: Ciliary dyskinesia. Identifiers: Orphanet 244, MedGen C0008780, MONDO:0016575, HP:0012265.

gnomAD v4.1: 1 of 1,614,124 alleles (0.000062%); highest among the groups gnomAD compares: South Asian, 0.0011%; no homozygotes.

Submission:

Labcorp Genetics (formerly Invitae), Labcorp
Classification: Uncertain significance for Primary ciliary dyskinesia. Last evaluated: 2025-10-11. Review status: criteria provided, single submitter. Criteria: Invitae Variant Classification Sherloc (09022015). Collection method: clinical testing. Allele origin: germline.
Comment: This sequence change replaces isoleucine, which is neutral and non-polar, with methionine, which is neutral and non-polar, at codon 1061 of the DNAH5 protein (p.Ile1061Met). This variant is not present in population databases (gnomAD no frequency). This variant has not been reported in the literature in individuals affected with DNAH5-related conditions. Invitae Evidence Modeling of protein sequence and biophysical properties (such as structural, functional, and spatial information, amino acid conservation, physicochemical variation, residue mobility, and thermodynamic stability) indicates that this missense variant is not expected to disrupt DNAH5 protein function with a negative predictive value of 95%. In summary, the available evidence is currently insufficient to determine the role of this variant in disease. Therefore, it has been classified as a Variant of Uncertain Significance.

NM_001369.3(DNAH5):c.3183A>G (p.Ile1061Met)

Genes: DNAH5 (dynein axonemal heavy chain 5; minus strand), DNAH5-AS1 (DNAH5 antisense RNA 1; plus strand). Cytogenetic location: 5p15.2.
Variant type: single nucleotide variant.
Coding change: c.3183A>G on transcript NM_001369.3 (MANE Select); coding-DNA position 3183, A replaced by G.
Protein change: p.Ile1061Met; replaces isoleucine 1061 with methionine.
Molecular consequence: missense variant.
Genome position (GRCh38, 1-based): chr5:13,882,807, T>C on the plus strand (A>G on the coding strand, the complement: DNAH5 is on the minus strand). VCF-style: chr5-13882807-T-C. GRCh37 (hg19) VCF-style: chr5-13882916-T-C.
Other names: short protein forms I1061M.
Identifiers: ClinVar variation 4749960 (VCV004749960.1).